The following is an entry in ClinVar:

ClinVar aggregate classification (germline): Likely pathogenic (1 of 4 stars; one submission).

Conditions:
Developmental delay with autism spectrum disorder and gait instability (MRT38). Also called: Intellectual developmental disorder, autosomal recessive 38. Identifiers: Orphanet 329195, MedGen C3809753, MONDO:0014224, OMIM 615516.

Submission:

3billion
Classification: Likely pathogenic for Developmental delay with autism spectrum disorder and gait instability. Last evaluated: 2023-02-23. Review status: criteria provided, single submitter. Criteria: ACMG Guidelines, 2015. Collection method: clinical testing. Allele origin: unknown. Affected: yes.
Comment: The variant is not observed in the gnomAD v2.1.1 dataset. This variant was predicted to result in a loss or disruption of normal protein function through nonsense-mediated decay (NMD) or protein truncation. Therefore, this variant is classified as Likely pathogenic according to the recommendation of ACMG/AMP guideline.

NM_004667.6(HERC2):c.12787_12791dup (p.Thr4265fs)

Gene: HERC2 (HECT and RLD domain containing E3 ubiquitin protein ligase 2; minus strand). Cytogenetic location: 15q13.1.
Variant type: Duplication.
Coding change: c.12787_12791dup on transcript NM_004667.6 (MANE Select); coding-DNA positions 12787 to 12791, 5 bases duplicated (TGCTG; older notation c.12787_12791dupTGCTG).
Protein change: p.Thr4265fs; shifts the reading frame from threonine 4265.
Molecular consequence: frameshift variant.
Genome position (GRCh38, 1-based): chr15:28,130,174-28,130,178, CAGCA duplicated on the plus strand (TGCTG on the coding strand, the reverse complement: HERC2 is on the minus strand); duplicating any 5 consecutive bases within chr15:28,130,174-28,130,180 gives the same sequence; the c. name uses the placement nearest the transcript's 3' end. VCF-style (leftmost placement, unchanged base first): chr15-28130173-G-GCAGCA. GRCh37 (hg19) VCF-style: chr15-28375319-G-GCAGCA.
Other names: short protein forms T4265fs.
Identifiers: ClinVar variation 2444380 (VCV002444380.1), dbSNP rs2548818940, ClinGen allele CA2580089164.
Genomic context (GRCh38, chr15:28,130,173, plus strand): 5'-CCCTCTTAGATTCACAGGCCTCAGTCCTGCGGCACTGAGCCCCTACCTACCATCCTCTGT[G>GCAGCA]CAGCACACACAGTGCAGGGAGCCAGTGGCGATGGCGATGACTTTCTTCCCCTGCAACCCT-3'